The following is an entry in ClinVar:

ClinVar aggregate classification (germline): Likely benign (1 of 4 stars; one submission).

gnomAD v4.1: 19 of 1,245,760 alleles (0.0015%); highest among the groups gnomAD compares: South Asian, 0.052%; 1 homozygote.

Submission:

CeGaT Center for Human Genetics Tuebingen
Classification: Likely benign. Last evaluated: 2025-03-01. Review status: criteria provided, single submitter. Criteria: CeGaT Center For Human Genetics Tuebingen Variant Classification Criteria Version 2. Collection method: clinical testing. Allele origin: germline. Affected: yes. Observed: 1 variant allele.
Comment: KDM3B: BP4, BP7

NM_016604.4(KDM3B):c.177G>T (p.Val59=)

Genes: KDM3B (lysine demethylase 3B; plus strand), LOC129994737 (ATAC-STARR-seq lymphoblastoid silent region 16394; plus strand). Cytogenetic location: 5q31.2.
Variant type: single nucleotide variant.
Coding change: c.177G>T on transcript NM_016604.4 (MANE Select); coding-DNA position 177, G replaced by T.
Protein change: p.Val59=; no amino-acid change (valine 59 retained).
Molecular consequence: synonymous variant.
Genome position (GRCh38, 1-based): chr5:138,352,972, G>T. VCF-style: chr5-138352972-G-T. GRCh37 (hg19) VCF-style: chr5-137688661-G-T.
Identifiers: ClinVar variation 3778344 (VCV003778344.7).